The following is an entry in ClinVar:

NM_001692.4(ATP6V1B1):c.825del (p.Ala276fs)

Gene: ATP6V1B1 (ATPase H+ transporting V1 subunit B1; plus strand). Cytogenetic location: 2p13.3.
Variant type: Deletion.
Coding change: c.825del on transcript NM_001692.4 (MANE Select); coding-DNA position 825, one base deleted (T; older notation c.825delT).
Protein change: p.Ala276fs; shifts the reading frame from alanine 276.
Molecular consequence: frameshift variant.
Genome position (GRCh38, 1-based): chr2:70,962,816, T deleted. VCF-style (leftmost placement, unchanged base first): chr2-70962815-CT-C. GRCh37 (hg19) VCF-style: chr2-71189945-CT-C.
Other names: short protein forms A276fs.
Identifiers: ClinVar variation 1071557 (VCV001071557.10), dbSNP rs2104831175, ClinGen allele CA2499216192.

ClinVar aggregate classification (germline): Pathogenic. Review status: criteria provided, multiple submitters, no conflicts (2 of 4 stars). 2 submissions from 2 submitters: Pathogenic (2). Last evaluated 2024-05-14.

Conditions:
Renal tubular acidosis with progressive nerve deafness. Also called: Distal Renal Tubular Acidosis with Progressive Sensorineural Deafness; renal tubular acidosis, distal, 2, with progressive sensorineural hearing loss; RENAL TUBULAR ACIDOSIS, AUTOSOMAL RECESSIVE, WITH PROGRESSIVE NERVE DEAFNESS; RTA WITH PROGRESSIVE NERVE DEAFNESS. Identifiers: MedGen C0403554, MONDO:0009968, OMIM 267300.

Submissions (2):

Myriad Genetics, Inc.
Classification: Pathogenic for Renal tubular acidosis with progressive nerve deafness. Last evaluated: 2024-05-14. Review status: criteria provided, single submitter. Criteria: Myriad Autosomal Dominant, Autosomal Recessive and X-Linked Classification Criteria (2023). Collection method: clinical testing. Allele origin: unknown.
Comment: NM_001692.3(ATP6V1B1):c.825delT(A276Lfs*16) is expected to be pathogenic in the context of distal renal tubular acidosis with deafness, ATP6V1B1-related. This variant is predicted to lead to an abnormal or absent protein product due to the creation of a premature termination codon in ATP6V1B1, a gene where loss-of-function variants are known to be pathogenic. Please note: this variant was assessed in the context of healthy population screening.

Labcorp Genetics (formerly Invitae), Labcorp
Classification: Pathogenic. Last evaluated: 2020-08-27. Review status: criteria provided, single submitter. Criteria: Invitae Variant Classification Sherloc (09022015). Collection method: clinical testing. Allele origin: germline.
Comment: For these reasons, this variant has been classified as Pathogenic. Loss-of-function variants in ATP6V1B1 are known to be pathogenic (PMID: 9916796, 18368028). This sequence change creates a premature translational stop signal (p.Ala276Leufs*16) in the ATP6V1B1 gene. It is expected to result in an absent or disrupted protein product. This variant is not present in population databases (ExAC no frequency). This variant has been observed in individual(s) with renal tubular acidosis with deafness (PMID: 20805693). It has also been observed to segregate with disease in related individuals. This variant is also known as c.912delT in the literature.

Literature cited by the submitters: PubMed 9916796 (cited by Labcorp Genetics (formerly Invitae), Labcorp); PubMed 18368028 (cited by Labcorp Genetics (formerly Invitae), Labcorp); PubMed 20805693 (cited by Labcorp Genetics (formerly Invitae), Labcorp).